The following is an entry in ClinVar:

ClinVar aggregate classification (germline): Uncertain significance (1 of 4 stars; one submission).

Conditions:
Hereditary cancer-predisposing syndrome. Also called: Tumor predisposition; Hereditary Cancer Syndrome; Neoplastic Syndromes, Hereditary; Hereditary neoplastic syndrome. Identifiers: Orphanet 140162, MedGen C0027672, MeSH D009386, MONDO:0015356.

Submission:

Ambry Genetics
Classification: Uncertain significance for Hereditary cancer-predisposing syndrome. Last evaluated: 2018-12-06. Review status: criteria provided, single submitter. Criteria: Ambry Variant Classification Scheme 2023. Collection method: clinical testing. Allele origin: germline.
Comment: The p.A37P variant (also known as c.109G>C), located in coding exon 1 of the MSH6 gene, results from a G to C substitution at nucleotide position 109. The alanine at codon 37 is replaced by proline, an amino acid with highly similar properties. This amino acid position is not well conserved in available vertebrate species. In addition, this alteration is predicted to be tolerated by in silico analysis. In addition, the CoDP in silico tool predicts this alteration to have a minor impact on molecular function, with a score of 0.560 (Terui H et al. J. Biomed. Sci. 2013 Apr;20:25). Since supporting evidence is limited at this time, the clinical significance of this alteration remains unclear.

NM_000179.3(MSH6):c.109G>C (p.Ala37Pro)

Gene: MSH6 (mutS homolog 6; plus strand). Cytogenetic location: 2p16.3.
Variant type: single nucleotide variant.
Coding change: c.109G>C on transcript NM_000179.3 (MANE Select); coding-DNA position 109, G replaced by C.
Protein change: p.Ala37Pro; replaces alanine 37 with proline.
Molecular consequence: missense variant. On other transcripts: 5 prime UTR variant (1).
Genome position (GRCh38, 1-based): chr2:47,783,342, G>C. VCF-style: chr2-47783342-G-C. GRCh37 (hg19) VCF-style: chr2-48010481-G-C.
Other names: c.109G>C, p.Ala37Pro (NM_001281492.2); c.-628G>C (NM_001281493.2); short protein forms A37P.
Identifiers: ClinVar variation 822166 (VCV000822166.4), dbSNP rs775487116, ClinGen allele CA346734848.